The following is an entry in ClinVar:

ClinVar aggregate classification (germline): Uncertain significance (1 of 4 stars; one submission).

Submission:

GeneDx
Classification: Uncertain significance. Last evaluated: 2025-05-13. Review status: criteria provided, single submitter. Criteria: GeneDx Variant Classification Process June 2021. Collection method: clinical testing. Allele origin: germline. Affected: yes.
Comment: Not observed at significant frequency in large population cohorts (gnomAD); In silico analysis supports that this missense variant has a deleterious effect on protein structure/function; Has not been previously published as pathogenic or benign to our knowledge

NM_001039469.3(MARK2):c.1179C>G (p.His393Gln)

Gene: MARK2 (microtubule affinity regulating kinase 2; plus strand). Cytogenetic location: 11q13.1.
Variant type: single nucleotide variant.
Coding change: c.1179C>G on transcript NM_001039469.3 (MANE Select); coding-DNA position 1179, C replaced by G.
Protein change: p.His393Gln; replaces histidine 393 with glutamine.
Molecular consequence: missense variant.
Genome position (GRCh38, 1-based): chr11:63,902,275, C>G. VCF-style: chr11-63902275-C-G. GRCh37 (hg19) VCF-style: chr11-63669747-C-G.
Other names: c.1179C>G, p.His393Gln (NM_001163296.2, NM_001163297.2, NM_004954.5); c.1080C>G, p.His360Gln (NM_017490.4); short protein forms H360Q, H393Q.
Identifiers: ClinVar variation 4529539 (VCV004529539.1).